The following is an entry in ClinVar:

ClinVar aggregate classification (germline): Uncertain significance (1 of 4 stars; one submission).

Conditions:
Costello syndrome (CSTLO). Also called: FCS SYNDROME; HRAS-Related Costello Syndrome; FACIOCUTANEOSKELETAL SYNDROME. Identifiers: Orphanet 3071, MedGen C0587248, MONDO:0009026, OMIM 218040.

Allele frequency attached by ClinVar (database versions not stated): TOPMed below 0.00001; gnomAD 0.00001; gnomAD exomes 0.00001; ExAC 0.00002; 1000 Genomes Project 30x 0.00016; 1000 Genomes Project 0.00020.
gnomAD v4.1: 12 of 1,613,846 alleles (0.00074%); highest among the groups gnomAD compares: Admixed American, 0.0017%; no homozygotes.

Submission:

Labcorp Genetics (formerly Invitae), Labcorp
Classification: Uncertain significance for Costello syndrome. Last evaluated: 2026-01-07. Review status: criteria provided, single submitter. Criteria: Invitae Variant Classification Sherloc (09022015). Collection method: clinical testing. Allele origin: germline.
Comment: This sequence change replaces glutamine, which is neutral and polar, with histidine, which is basic and polar, at codon 99 of the HRAS protein (p.Gln99His). This variant is present in population databases (rs199656012, gnomAD 0.003%). This missense change has been observed in individual(s) with clinical features of Costello syndrome (internal data). ClinVar contains an entry for this variant (Variation ID: 957979). Invitae Evidence Modeling of protein sequence and biophysical properties (such as structural, functional, and spatial information, amino acid conservation, physicochemical variation, residue mobility, and thermodynamic stability) has been performed for this missense variant. However, the output from this modeling did not meet the statistical confidence thresholds required to predict the impact of this variant on HRAS protein function. In summary, the available evidence is currently insufficient to determine the role of this variant in disease. Therefore, it has been classified as a Variant of Uncertain Significance.

NM_005343.4(HRAS):c.297G>T (p.Gln99His)

Genes: HRAS (HRas proto-oncogene, GTPase; minus strand), LRRC56 (leucine rich repeat containing 56; plus strand). Cytogenetic location: 11p15.5.
Variant type: single nucleotide variant.
Coding change: c.297G>T on transcript NM_005343.4 (MANE Select); coding-DNA position 297, G replaced by T.
Protein change: p.Gln99His; replaces glutamine 99 with histidine.
Molecular consequence: missense variant. On other transcripts: 5 prime UTR variant (1).
Genome position (GRCh38, 1-based): chr11:533,606, C>A on the plus strand (G>T on the coding strand, the complement: HRAS is on the minus strand). VCF-style: chr11-533606-C-A. GRCh37 (hg19) VCF-style: chr11-533606-C-A.
Other names: c.297G>T, p.Gln99His (NM_001130442.3, NM_176795.5); c.-23G>T (NM_001318054.2); short protein forms Q99H.
Identifiers: ClinVar variation 957979 (VCV000957979.8), dbSNP rs199656012, ClinGen allele CA5779335.